The following is an entry in ClinVar:

NM_001195553.2(DCX):c.677A>C (p.Lys226Thr)

Gene: DCX (doublecortin; minus strand). Cytogenetic location: Xq23.
Variant type: single nucleotide variant.
Coding change: c.677A>C on transcript NM_001195553.2 (MANE Select); coding-DNA position 677, A replaced by C.
Protein change: p.Lys226Thr; replaces lysine 226 with threonine.
Molecular consequence: missense variant.
Genome position (GRCh38, 1-based): chrX:111,401,018, T>G on the plus strand (A>C on the coding strand, the complement: DCX is on the minus strand). VCF-style: chrX-111401018-T-G. GRCh37 (hg19) VCF-style: chrX-110644246-T-G.
Other names: c.920A>C, p.Lys307Thr (NM_000555.3); c.677A>C, p.Lys226Thr (NM_001369370.1, NM_001369371.1, NM_001369372.1 and 6 more transcripts); short protein forms K226T, K307T.
Identifiers: ClinVar variation 2992191 (VCV002992191.3), dbSNP rs2524834814, ClinGen allele CA414245858.

ClinVar aggregate classification (germline): Uncertain significance (1 of 4 stars; one submission).

Submission:

Labcorp Genetics (formerly Invitae), Labcorp
Classification: Uncertain significance. Last evaluated: 2023-12-08. Review status: criteria provided, single submitter. Criteria: Invitae Variant Classification Sherloc (09022015). Collection method: clinical testing. Allele origin: germline.
Comment: This sequence change replaces lysine, which is basic and polar, with threonine, which is neutral and polar, at codon 226 of the DCX protein (p.Lys226Thr). This variant is not present in population databases (gnomAD no frequency). This variant has not been reported in the literature in individuals affected with DCX-related conditions. Advanced modeling of protein sequence and biophysical properties (such as structural, functional, and spatial information, amino acid conservation, physicochemical variation, residue mobility, and thermodynamic stability) has been performed at Invitae for this missense variant, however the output from this modeling did not meet the statistical confidence thresholds required to predict the impact of this variant on DCX protein function. In summary, the available evidence is currently insufficient to determine the role of this variant in disease. Therefore, it has been classified as a Variant of Uncertain Significance.